The following is an entry in ClinVar:

ClinVar aggregate classification (germline): Conflicting classifications of pathogenicity. Review status: criteria provided, conflicting classifications (1 of 4 stars). 15 submissions from 15 submitters: Uncertain significance (11); Likely benign (1). 3 of the submissions do not count toward it. Last evaluated 2026-02-04.

Conditions:
Cardiovascular phenotype. Identifiers: MedGen CN230736.
Catecholaminergic polymorphic ventricular tachycardia 2. Also called: CASQ2-Related Catecholaminergic Polymorphic Ventricular Tachycardia; VENTRICULAR TACHYCARDIA, STRESS-INDUCED POLYMORPHIC 2. Identifiers: Orphanet 3286, MedGen C2677794, MONDO:0012762, OMIM 611938.
Catecholaminergic polymorphic ventricular tachycardia 1. Also called: RYR2-Related Catecholaminergic Polymorphic Ventricular Tachycardia; VENTRICULAR TACHYCARDIA, CATECHOLAMINERGIC POLYMORPHIC, 1, WITH OR WITHOUT ATRIAL DYSFUNCTION AND/OR DILATED CARDIOMYOPATHY; VENTRICULAR TACHYCARDIA, STRESS-INDUCED POLYMORPHIC 1. Identifiers: Orphanet 3286, MedGen C1631597, MONDO:0011484, OMIM 604772.
Cardiomyopathy (CMYO). Also called: Cardiomyopathies. Identifiers: Orphanet 167848, MedGen C0878544, MONDO:0004994, HP:0001638. Inheritance: Various modes of inheritance.

Allele frequency attached by ClinVar (database versions not stated): gnomAD 0.00023 and 0.00024; gnomAD exomes 0.00023; ExAC 0.00035; ESP Exome Variant Server 0.00008; TOPMed 0.00012; 1000 Genomes Project 30x 0.00016; 1000 Genomes Project 0.00020.
gnomAD v4.1: 361 of 1,613,686 alleles (0.022%); highest among the groups gnomAD compares: Non-Finnish European, 0.025%; no homozygotes.

Submissions (15):

Labcorp Genetics (formerly Invitae), Labcorp
Classification: Uncertain significance for Catecholaminergic polymorphic ventricular tachycardia 1. Last evaluated: 2026-02-04. Review status: criteria provided, single submitter. Criteria: Invitae Variant Classification Sherloc (09022015). Collection method: clinical testing. Allele origin: germline.
Comment: This sequence change replaces proline, which is neutral and non-polar, with serine, which is neutral and polar, at codon 329 of the CASQ2 protein (p.Pro329Ser). This variant is present in population databases (rs28730713, gnomAD 0.07%). This missense change has been observed in individual(s) with arrhythmia (PMID: 30847666). ClinVar contains an entry for this variant (Variation ID: 190747). Invitae Evidence Modeling of protein sequence and biophysical properties (such as structural, functional, and spatial information, amino acid conservation, physicochemical variation, residue mobility, and thermodynamic stability) has been performed for this missense variant. However, the output from this modeling did not meet the statistical confidence thresholds required to predict the impact of this variant on CASQ2 protein function. In summary, the available evidence is currently insufficient to determine the role of this variant in disease. Therefore, it has been classified as a Variant of Uncertain Significance.

GeneDx
Classification: Uncertain significance. Last evaluated: 2025-10-09. Review status: criteria provided, single submitter. Criteria: GeneDx Variant Classification Process June 2021. Collection method: clinical testing. Allele origin: germline. Affected: yes.
Comment: In silico analysis supports that this missense variant has a deleterious effect on protein structure/function; Identified in association with DCM and arrhythmia in published literature (PMID: 25163546, 30847666); This variant is associated with the following publications: (PMID: 30847666, 37937776, 25163546, 28404607)

Molecular Diagnostic Laboratory for Inherited Cardiovascular Disease, Montreal Heart Institute
Classification: Uncertain significance for Cardiovascular phenotype. Last evaluated: 2025-04-09. Review status: criteria provided, single submitter. Criteria: ACMG Guidelines, 2015. Collection method: clinical testing. Allele origin: germline. Affected: yes.
Comment: PP3, BS1

ARUP Laboratories, Molecular Genetics and Genomics, ARUP Laboratories
Classification: Uncertain significance for Catecholaminergic polymorphic ventricular tachycardia 2. Last evaluated: 2025-03-03. Review status: criteria provided, single submitter. Criteria: ARUP Molecular Germline Variant Investigation Process 2024. Collection method: clinical testing. Allele origin: germline.
Comment: The CASQ2 c.985C>T; p.Pro329Ser variant (rs28730713, ClinVar Variation ID: 190747) is reported in the literature in cardiac-related disease cohorts (Haas 2015, Landstrom 2017, Ng 2017, van Lint 2019). This variant is found in the general population with an overall allele frequency of 0.02% (68/281,674 alleles) in the Genome Aggregation Database (v2.1.1). Computational analyses predict that this variant is deleterious (REVEL: 0.741). Due to limited information, the clinical significance of this variant is uncertain at this time. References: Haas J et al. Atlas of the clinical genetics of human dilated cardiomyopathy. Eur Heart J. 2015 May 7;36(18):1123-35a. PMID: 25163546. Landstrom AP et al. Interpreting Incidentally Identified Variants in Genes Associated With Catecholaminergic Polymorphic Ventricular Tachycardia in a Large Cohort of Clinical Whole-Exome Genetic Test Referrals. Circ Arrhythm Electrophysiol. 2017 Apr;10(4):e004742. PMID: 28404607. Ng D et al. Interpreting secondary cardiac disease variants in an exome cohort. Circ Cardiovasc Genet. 2013 Aug;6(4):337-46. PMID: 23861362. van Lint FHM et al. Large next-generation sequencing gene panels in genetic heart disease: yield of pathogenic variants and variants of unknown significance. Neth Heart J. 2019 Jun;27(6):304-309. PMID: 30847666.

Blueprint Genetics
Classification: Likely benign. Last evaluated: 2024-11-26. Review status: criteria provided, single submitter. Criteria: ACMG Guidelines, 2015. Collection method: clinical testing. Allele origin: germline.

Ambry Genetics
Classification: Uncertain significance for Cardiovascular phenotype. Last evaluated: 2024-05-10. Review status: criteria provided, single submitter. Criteria: Ambry Variant Classification Scheme 2023. Collection method: clinical testing. Allele origin: germline.

Genome-Nilou Lab
Classification: Uncertain significance for Catecholaminergic polymorphic ventricular tachycardia 2. Last evaluated: 2023-04-11. Review status: criteria provided, single submitter. Criteria: ACMG Guidelines, 2015. Collection method: clinical testing. Allele origin: germline. Affected: no.

Fulgent Genetics
Classification: Uncertain significance for Catecholaminergic polymorphic ventricular tachycardia 1; Catecholaminergic polymorphic ventricular tachycardia 2. Last evaluated: 2021-09-09. Review status: criteria provided, single submitter. Criteria: ACMG Guidelines, 2015. Collection method: clinical testing. Allele origin: unknown.

CHEO Genetics Diagnostic Laboratory, Children's Hospital of Eastern Ontario
Classification: Uncertain significance for Cardiomyopathy. Last evaluated: 2018-04-26. Review status: criteria provided, single submitter. Criteria: ACMG Guidelines, 2015. Collection method: clinical testing. Allele origin: germline.

Illumina Laboratory Services, Illumina
Classification: Uncertain significance for Catecholaminergic polymorphic ventricular tachycardia 2. Last evaluated: 2017-05-30. Review status: criteria provided, single submitter. Criteria: ICSL Variant Classification Criteria 13 December 2019. Collection method: clinical testing. Allele origin: germline.
Comment: This variant was observed as part of a predisposition screen in an ostensibly healthy population. A literature search was performed for the gene, cDNA change, and amino acid change (where applicable). Publications were found based on this search. However, the evidence from the literature, in combination with allele frequency data from public databases where available, was not sufficient to rule this variant in or out of causing disease. Therefore, this variant is classified as a variant of unknown significance.

Women's Health and Genetics/Laboratory Corporation of America, LabCorp
Classification: Uncertain significance. Last evaluated: 2016-06-06. Review status: criteria provided, single submitter. Criteria: LabCorp Variant Classification Summary - May 2015. Collection method: clinical testing. Allele origin: germline.
Comment: Variant summary: The c.985C>T (p.Pro329Ser) in CASQ2 gene is a missense change that involves a conserved nucleotide and 5/5 in silico tools predict deleterious outcome. The variant is present in the control population dataset of ExAC at frequency of 0.00035. The observed frequency does not exceed the maximum expected allele frequency for a pathogenic CASQ2 variant of 0.0044, however, it is possible that variant may be a rare functional polymorphism. The variant was identified in compound heterozygosity in at least 1 DCM pt (Haas, 2015). The variant of interest has been reported as VUS by reputable databases/clinical laboratories. More definitive data are needed. Taking together, the variant was classified as VUS until more information becomes available.

Biesecker Lab/Clinical Genomics Section, National Institutes of Health
Classification: Uncertain significance. Last evaluated: 2013-06-24. Review status: criteria provided, single submitter. Criteria: Ng et al. (Circ Cardiovasc Genet. 2013). Collection method: research. Allele origin: unknown. Observed: 1 variant allele. Study: ClinSeq.
Comment: The study set was not selected for affection status in relation to any cancer. Pathogenicity categories were based on literature curation. See Pubmed ID:23861362 for details.

Medical sequencing

Clinical Genetics DNA and cytogenetics Diagnostics Lab, Erasmus MC, Erasmus Medical Center
Classification: Uncertain significance. Review status: no assertion criteria provided. Collection method: clinical testing. Allele origin: germline. Affected: yes. Study: VKGL Data-share Consensus. Not counted in ClinVar's aggregate classification.

Clinical Genetics, Academic Medical Center
Classification: Uncertain significance. Review status: no assertion criteria provided. Collection method: clinical testing. Allele origin: germline. Affected: yes. Study: VKGL Data-share Consensus. Not counted in ClinVar's aggregate classification.

Joint Genome Diagnostic Labs from Nijmegen and Maastricht, Radboudumc and MUMC+
Classification: Uncertain significance. Review status: no assertion criteria provided. Collection method: clinical testing. Allele origin: germline. Affected: yes. Study: VKGL Data-share Consensus. Not counted in ClinVar's aggregate classification.

Literature cited by the submitters: PubMed 30847666 (cited by Labcorp Genetics (formerly Invitae), Labcorp); PubMed 25163546 (cited by Illumina Laboratory Services, Illumina and Women's Health and Genetics/Laboratory Corporation of America, LabCorp); PubMed 28404607 (cited by Illumina Laboratory Services, Illumina); PubMed 23861362 (cited by Women's Health and Genetics/Laboratory Corporation of America, LabCorp).

NM_001232.4(CASQ2):c.985C>T (p.Pro329Ser)

Gene: CASQ2 (calsequestrin 2; minus strand). Cytogenetic location: 1p13.1.
Variant type: single nucleotide variant.
Coding change: c.985C>T on transcript NM_001232.4 (MANE Select); coding-DNA position 985, C replaced by T.
Protein change: p.Pro329Ser; replaces proline 329 with serine.
Molecular consequence: missense variant.
Genome position (GRCh38, 1-based): chr1:115,702,950, G>A on the plus strand (C>T on the coding strand, the complement: CASQ2 is on the minus strand). VCF-style: chr1-115702950-G-A. GRCh37 (hg19) VCF-style: chr1-116245571-G-A.
Other names: p.P329S:CCA>TCA; short protein forms P329S.
Identifiers: ClinVar variation 190747 (VCV000190747.31), dbSNP rs28730713, ClinGen allele CA301910.
Genomic context (GRCh38, chr1:115,702,950, plus strand): 5'-GCCTGAGCAAGCCTTCACAGGGGATACTCACATCTGTGACATTCACCACCCCAATCTGTG[G>A]CCTGAATAGGTCAATCTTGAAAGTCTTCTCCCAGTAGGCAACGAGCTGCAGCAACAAAAA-3'
Protein context (NP_001223.2, residues 319-339): EKTFKIDLFR[Pro329Ser]QIGVVNVTDA